The following is an entry in ClinVar:

NM_173660.5(DOK7):c.653-4A>G

Gene: DOK7 (docking protein 7; plus strand). Cytogenetic location: 4p16.3.
Variant type: single nucleotide variant.
Coding change: c.653-4A>G on transcript NM_173660.5 (MANE Select); 4 bases into the intron before coding-DNA position 653, A replaced by G.
Molecular consequence: intron variant.
Genome position (GRCh38, 1-based): chr4:3,489,673, A>G. VCF-style: chr4-3489673-A-G. GRCh37 (hg19) VCF-style: chr4-3491400-A-G.
Other names: c.653-4A>G (NM_001301071.2); c.221-4A>G (NM_001363811.2); c.642-4A>G (NM_001164673.2); c.-278-4A>G (NM_001256896.2).
Identifiers: ClinVar variation 682178 (VCV000682178.4), dbSNP rs1577171863, ClinGen allele CA915943004.
Genomic context (GRCh38, chr4:3,489,673, plus strand): 5'-GTGCCTGCGGGCGAGGGTGGGCGGTGGTGGCCACCTCCTCCACCGAGTCTTCTCTCTGCC[A>G]CAGACCCAAGTCCCCCGGGACCCTCGACTGTGGAGGAGCGTGTGGCCCAGGAAGCCCTGG-3'

ClinVar aggregate classification (germline): Likely benign. Review status: criteria provided, multiple submitters, no conflicts (2 of 4 stars). 2 submissions from 2 submitters: Likely benign (2). Last evaluated 2025-01-21.

Conditions:
Congenital myasthenic syndrome 10. Also called: Myasthenia, limb-girdle, familial. Identifiers: Orphanet 590, MedGen C1850792, MONDO:0009690, OMIM 254300.
Fetal akinesia deformation sequence 1 (FADS1). Also called: Pena-Shokeir syndrome type I; Fetal akinesia sequence. Identifiers: Orphanet 994, MedGen C1276035, MONDO:0100101, OMIM 208150, HP:0001989.

Allele frequency attached by ClinVar (database versions not stated): gnomAD exomes below 0.00001.
gnomAD v4.1: 4 of 1,565,676 alleles (0.00026%); highest among the groups gnomAD compares: East Asian, 0.0024%; no homozygotes.

Submissions (2):

Labcorp Genetics (formerly Invitae), Labcorp
Classification: Likely benign for Congenital myasthenic syndrome 10; Fetal akinesia deformation sequence 1. Last evaluated: 2025-01-21. Review status: criteria provided, single submitter. Criteria: Invitae Variant Classification Sherloc (09022015). Collection method: clinical testing. Allele origin: germline.

GeneDx
Classification: Likely benign. Last evaluated: 2018-04-23. Review status: criteria provided, single submitter. Criteria: GeneDx Variant Classification (06012015). Collection method: clinical testing. Allele origin: germline. Affected: yes.
Comment: This variant is considered likely benign or benign based on one or more of the following criteria: it is a conservative change, it occurs at a poorly conserved position in the protein, it is predicted to be benign by multiple in silico algorithms, and/or has population frequency not consistent with disease.